The following is an entry in ClinVar:

ClinVar aggregate classification (germline): Uncertain significance (1 of 4 stars; one submission).

Submission:

Labcorp Genetics (formerly Invitae), Labcorp
Classification: Uncertain significance. Last evaluated: 2025-04-03. Review status: criteria provided, single submitter. Criteria: Invitae Variant Classification Sherloc (09022015). Collection method: clinical testing. Allele origin: germline.
Comment: This sequence change replaces aspartic acid, which is acidic and polar, with glycine, which is neutral and non-polar, at codon 243 of the ABCB4 protein (p.Asp243Gly). This variant is not present in population databases (gnomAD no frequency). This variant has not been reported in the literature in individuals affected with ABCB4-related conditions. Invitae Evidence Modeling of protein sequence and biophysical properties (such as structural, functional, and spatial information, amino acid conservation, physicochemical variation, residue mobility, and thermodynamic stability) indicates that this missense variant is not expected to disrupt ABCB4 protein function with a negative predictive value of 80%. In summary, the available evidence is currently insufficient to determine the role of this variant in disease. Therefore, it has been classified as a Variant of Uncertain Significance.

NM_000443.4(ABCB4):c.728A>G (p.Asp243Gly)

Gene: ABCB4 (ATP binding cassette subfamily B member 4; minus strand). Cytogenetic location: 7q21.12.
Variant type: single nucleotide variant.
Coding change: c.728A>G on transcript NM_000443.4 (MANE Select); coding-DNA position 728, A replaced by G.
Protein change: p.Asp243Gly; replaces aspartic acid 243 with glycine.
Molecular consequence: missense variant.
Genome position (GRCh38, 1-based): chr7:87,450,073, T>C on the plus strand (A>G on the coding strand, the complement: ABCB4 is on the minus strand). VCF-style: chr7-87450073-T-C. GRCh37 (hg19) VCF-style: chr7-87079389-T-C.
Other names: c.728A>G, p.Asp243Gly (NM_018849.3, NM_018850.3); short protein forms D243G.
Identifiers: ClinVar variation 4717450 (VCV004717450.1).